The following is an entry in ClinVar:

ClinVar aggregate classification (germline): Uncertain significance. Review status: criteria provided, multiple submitters, no conflicts (2 of 4 stars). 3 submissions from 3 submitters: Uncertain significance (3). Last evaluated 2025-12-15.

Conditions:
Inborn genetic diseases. Identifiers: MedGen C0950123, MeSH D030342.
Schimke immuno-osseous dysplasia (SIOD). Also called: Schimke Immunoosseous Dysplasia. Identifiers: Orphanet 1830, MedGen C0877024, MONDO:0009458, OMIM 242900.

Allele frequency attached by ClinVar (database versions not stated): ExAC 0.00002; gnomAD exomes 0.00002 and 0.00005; gnomAD 0.00003; TOPMed 0.00004; ESP Exome Variant Server 0.00008.
gnomAD v4.1: 77 of 1,614,056 alleles (0.0048%); highest among the groups gnomAD compares: Non-Finnish European, 0.0064%; no homozygotes.

Submissions (3):

Ambry Genetics
Classification: Uncertain significance for Inborn genetic diseases. Last evaluated: 2025-12-15. Review status: criteria provided, single submitter. Criteria: Ambry Variant Classification Scheme 2023. Collection method: clinical testing. Allele origin: germline.

Fulgent Genetics
Classification: Uncertain significance for Schimke immuno-osseous dysplasia. Last evaluated: 2024-02-19. Review status: criteria provided, single submitter. Criteria: ACMG Guidelines, 2015. Collection method: clinical testing. Allele origin: germline.

Labcorp Genetics (formerly Invitae), Labcorp
Classification: Uncertain significance for Schimke immuno-osseous dysplasia. Last evaluated: 2022-06-07. Review status: criteria provided, single submitter. Criteria: Invitae Variant Classification Sherloc (09022015). Collection method: clinical testing. Allele origin: germline.
Comment: This sequence change replaces proline, which is neutral and non-polar, with serine, which is neutral and polar, at codon 666 of the SMARCAL1 protein (p.Pro666Ser). This variant is present in population databases (rs376035215, gnomAD 0.004%). This variant has not been reported in the literature in individuals affected with SMARCAL1-related conditions. Algorithms developed to predict the effect of missense changes on protein structure and function are either unavailable or do not agree on the potential impact of this missense change (SIFT: "Tolerated"; PolyPhen-2: "Possibly Damaging"; Align-GVGD: "Class C0"). In summary, the available evidence is currently insufficient to determine the role of this variant in disease. Therefore, it has been classified as a Variant of Uncertain Significance.

NM_014140.4(SMARCAL1):c.1996C>T (p.Pro666Ser)

Gene: SMARCAL1 (SNF2 related chromatin remodeling annealing helicase 1; plus strand). Cytogenetic location: 2q35.
Variant type: single nucleotide variant.
Coding change: c.1996C>T on transcript NM_014140.4 (MANE Select); coding-DNA position 1996, C replaced by T.
Protein change: p.Pro666Ser; replaces proline 666 with serine.
Molecular consequence: missense variant.
Genome position (GRCh38, 1-based): chr2:216,450,990, C>T. VCF-style: chr2-216450990-C-T. GRCh37 (hg19) VCF-style: chr2-217315713-C-T.
Other names: c.1996C>T, p.Pro666Ser (NM_001127207.2); c.1996C>T (NM_014140.3); short protein forms P666S.
Identifiers: ClinVar variation 1375751 (VCV001375751.8), dbSNP rs376035215, ClinGen allele CA2098067.